The following is an entry in ClinVar:

ClinVar aggregate classification (germline): Uncertain significance. Review status: criteria provided, multiple submitters, no conflicts (2 of 4 stars). 2 submissions from 2 submitters: Uncertain significance (2). Last evaluated 2022-05-13.

Submissions (2):

Labcorp Genetics (formerly Invitae), Labcorp
Classification: Uncertain significance. Last evaluated: 2022-05-13. Review status: criteria provided, single submitter. Criteria: Invitae Variant Classification Sherloc (09022015). Collection method: clinical testing. Allele origin: germline.
Comment: In summary, the available evidence is currently insufficient to determine the role of this variant in disease. Therefore, it has been classified as a Variant of Uncertain Significance. Algorithms developed to predict the effect of sequence changes on RNA splicing suggest that this variant may create or strengthen a splice site. This variant has not been reported in the literature in individuals affected with ABCA4-related conditions. This variant is not present in population databases (gnomAD no frequency). This sequence change falls in intron 13 of the ABCA4 gene. It does not directly change the encoded amino acid sequence of the ABCA4 protein.

Blueprint Genetics
Classification: Uncertain significance. Last evaluated: 2019-04-02. Review status: criteria provided, single submitter. Criteria: ACMG Guidelines, 2015. Collection method: clinical testing. Allele origin: germline.

NM_000350.3(ABCA4):c.1938-18T>C

Gene: ABCA4 (ATP binding cassette subfamily A member 4; minus strand). Cytogenetic location: 1p22.1.
Variant type: single nucleotide variant.
Coding change: c.1938-18T>C on transcript NM_000350.3 (MANE Select); 18 bases into the intron before coding-DNA position 1938, T replaced by C.
Molecular consequence: intron variant.
Genome position (GRCh38, 1-based): chr1:94,060,777, A>G on the plus strand (T>C on the coding strand, the complement: ABCA4 is on the minus strand). VCF-style: chr1-94060777-A-G. GRCh37 (hg19) VCF-style: chr1-94526333-A-G.
Identifiers: ClinVar variation 1993905 (VCV001993905.5), dbSNP rs2523833524, ClinGen allele CA2580063557.